The following is an entry in ClinVar:

NM_001394062.1(MACF1):c.15950A>G (p.Asn5317Ser)

Gene: MACF1 (microtubule actin crosslinking factor 1; plus strand). Cytogenetic location: 1p34.3.
Variant type: single nucleotide variant.
Coding change: c.15950A>G on transcript NM_001394062.1 (MANE Select); coding-DNA position 15950, A replaced by G.
Protein change: p.Asn5317Ser; replaces asparagine 5317 with serine.
Molecular consequence: missense variant.
Genome position (GRCh38, 1-based): chr1:39,422,507, A>G. VCF-style: chr1-39422507-A-G. GRCh37 (hg19) VCF-style: chr1-39888179-A-G.
Other names: c.4346A>G, p.Asn1449Ser (NM_001397473.1); c.9764A>G, p.Asn3255Ser (NM_012090.5); short protein forms N1449S, N3255S, N5317S.
Identifiers: ClinVar variation 5018262 (VCV005018262.1).
Genomic context (GRCh38, chr1:39,422,507, plus strand): 5'-TTCAGAGTGCAGGAAAAGACTGTGATGTACAGGGTTTAGAACATGACATGGAAGAGATCA[A>G]TGCTCGATGGAATACATTGAATAAAAAGGTGAGTGACAATGGGGTAGCAAGTGTACTGGA-3'
Protein context (NP_001380991.1, residues 5307-5327): QGLEHDMEEI[Asn5317Ser]ARWNTLNKKV

ClinVar aggregate classification (germline): Uncertain significance (1 of 4 stars; one submission).

gnomAD v4.1: 7 of 1,613,472 alleles (0.00043%); highest among the groups gnomAD compares: African/African-American, 0.0053%; no homozygotes.

Submission:

GeneDx
Classification: Uncertain significance. Last evaluated: 2026-04-10. Review status: criteria provided, single submitter. Criteria: GeneDx Variant Classification Process June 2021. Collection method: clinical testing. Allele origin: germline.
Comment: In silico analysis supports that this missense variant has a deleterious effect on protein structure/function; Has not been previously published as pathogenic or benign to our knowledge